The following is an entry in ClinVar:

ClinVar aggregate classification (germline): Uncertain significance. Review status: criteria provided, multiple submitters, no conflicts (2 of 4 stars). 2 submissions from 2 submitters: Uncertain significance (2). Last evaluated 2024-11-11.

Conditions:
Catecholaminergic polymorphic ventricular tachycardia 1. Also called: VENTRICULAR TACHYCARDIA, CATECHOLAMINERGIC POLYMORPHIC, 1, WITH OR WITHOUT ATRIAL DYSFUNCTION AND/OR DILATED CARDIOMYOPATHY; RYR2-Related Catecholaminergic Polymorphic Ventricular Tachycardia; VENTRICULAR TACHYCARDIA, STRESS-INDUCED POLYMORPHIC 1. Identifiers: Orphanet 3286, MedGen C1631597, MONDO:0011484, OMIM 604772.

Allele frequency attached by ClinVar (database versions not stated): gnomAD exomes below 0.00001; TOPMed below 0.00001; gnomAD 0.00001.
gnomAD v4.1: 3 of 1,613,800 alleles (0.00019%); highest among the groups gnomAD compares: East Asian, 0.0022%; no homozygotes.

Submissions (2):

Labcorp Genetics (formerly Invitae), Labcorp
Classification: Uncertain significance for Catecholaminergic polymorphic ventricular tachycardia 1. Last evaluated: 2024-11-11. Review status: criteria provided, single submitter. Criteria: Invitae Variant Classification Sherloc (09022015). Collection method: clinical testing. Allele origin: germline.
Comment: This sequence change creates a premature translational stop signal (p.Arg694*) in the RYR2 gene. It is expected to result in an absent or disrupted protein product. However, the current clinical and genetic evidence is not sufficient to establish whether loss-of-function variants in RYR2 cause disease. This variant is not present in population databases (gnomAD no frequency). This variant has not been reported in the literature in individuals affected with RYR2-related conditions. ClinVar contains an entry for this variant (Variation ID: 2020837). In summary, the available evidence is currently insufficient to determine the role of this variant in disease. Therefore, it has been classified as a Variant of Uncertain Significance.

GeneDx
Classification: Uncertain significance. Last evaluated: 2023-10-20. Review status: criteria provided, single submitter. Criteria: GeneDx Variant Classification Process June 2021. Collection method: clinical testing. Allele origin: germline. Affected: yes.
Comment: Not observed at significant frequency in large population cohorts (gnomAD); Nonsense variant predicted to result in protein truncation or nonsense mediated decay in a gene or region of a gene for which loss of function is not a well-established mechanism of disease; Has not been previously published as pathogenic or benign to our knowledge

NM_001035.3(RYR2):c.2080C>T (p.Arg694Ter)

Gene: RYR2 (ryanodine receptor 2; plus strand). Cytogenetic location: 1q43.
Variant type: single nucleotide variant.
Coding change: c.2080C>T on transcript NM_001035.3 (MANE Select); coding-DNA position 2080, C replaced by T.
Protein change: p.Arg694Ter; replaces arginine 694 with a stop codon.
Molecular consequence: nonsense.
Genome position (GRCh38, 1-based): chr1:237,496,629, C>T. VCF-style: chr1-237496629-C-T. GRCh37 (hg19) VCF-style: chr1-237659929-C-T.
Other names: c.2080C>T (NM_001035.2); short protein forms R694*.
Identifiers: ClinVar variation 2020837 (VCV002020837.5), dbSNP rs1664103746, ClinGen allele CA345391741.